The following is an entry in ClinVar:

ClinVar aggregate classification (germline): Uncertain significance. Review status: criteria provided, multiple submitters, no conflicts (2 of 4 stars). 2 submissions from 2 submitters: Uncertain significance (2). Last evaluated 2025-11-26.

Allele frequency attached by ClinVar (database versions not stated): gnomAD 0.00003; TOPMed 0.00003; ExAC 0.00002; gnomAD exomes 0.00004.
gnomAD v4.1: 36 of 1,577,642 alleles (0.0023%); highest among the groups gnomAD compares: Middle Eastern, 0.017%; no homozygotes.

Submissions (2):

Ambry Genetics
Classification: Uncertain significance. Last evaluated: 2025-11-26. Review status: criteria provided, single submitter. Criteria: Ambry Variant Classification Scheme 2023. Collection method: clinical testing. Allele origin: germline.

Labcorp Genetics (formerly Invitae), Labcorp
Classification: Uncertain significance. Last evaluated: 2022-11-28. Review status: criteria provided, single submitter. Criteria: Invitae Variant Classification Sherloc (09022015). Collection method: clinical testing. Allele origin: germline.
Comment: In summary, the available evidence is currently insufficient to determine the role of this variant in disease. Therefore, it has been classified as a Variant of Uncertain Significance. Advanced modeling of protein sequence and biophysical properties (such as structural, functional, and spatial information, amino acid conservation, physicochemical variation, residue mobility, and thermodynamic stability) performed at Invitae indicates that this missense variant is not expected to disrupt LRRC56 protein function. ClinVar contains an entry for this variant (Variation ID: 1482135). This variant has not been reported in the literature in individuals affected with LRRC56-related conditions. This variant is present in population databases (rs766177788, gnomAD 0.007%). This sequence change replaces arginine, which is basic and polar, with tryptophan, which is neutral and slightly polar, at codon 64 of the LRRC56 protein (p.Arg64Trp).

NM_198075.4(LRRC56):c.190C>T (p.Arg64Trp)

Gene: LRRC56 (leucine rich repeat containing 56; plus strand). Cytogenetic location: 11p15.5.
Variant type: single nucleotide variant.
Coding change: c.190C>T on transcript NM_198075.4 (MANE Select); coding-DNA position 190, C replaced by T.
Protein change: p.Arg64Trp; replaces arginine 64 with tryptophan.
Molecular consequence: missense variant.
Genome position (GRCh38, 1-based): chr11:541,549, C>T. VCF-style: chr11-541549-C-T. GRCh37 (hg19) VCF-style: chr11-541549-C-T.
Other names: c.190C>T (NM_198075.3); short protein forms R64W.
Identifiers: ClinVar variation 1482135 (VCV001482135.7), dbSNP rs766177788, ClinGen allele CA5779550.